The following is an entry in ClinVar:

NM_174936.4(PCSK9):c.2002A>G (p.Ser668Gly)

Gene: PCSK9 (proprotein convertase subtilisin/kexin type 9; plus strand). Cytogenetic location: 1p32.3.
Variant type: single nucleotide variant.
Coding change: c.2002A>G on transcript NM_174936.4 (MANE Select); coding-DNA position 2002, A replaced by G.
Protein change: p.Ser668Gly; replaces serine 668 with glycine.
Molecular consequence: missense variant.
Genome position (GRCh38, 1-based): chr1:55,063,507, A>G. VCF-style: chr1-55063507-A-G. GRCh37 (hg19) VCF-style: chr1-55529180-A-G.
Other names: c.2125A>G, p.Ser709Gly (NM_001407240.1); c.2044A>G, p.Ser682Gly (NM_001407241.1); c.2005A>G, p.Ser669Gly (NM_001407242.1); c.1945A>G, p.Ser649Gly (NM_001407243.1); c.1828A>G, p.Ser610Gly (NM_001407244.1); c.1810A>G, p.Ser604Gly (NM_001407245.1); c.1627A>G, p.Ser543Gly (NM_001407246.1); c.1501A>G, p.Ser501Gly (NM_001407247.1); short protein forms S668G, S501G, S604G, S543G, S669G, S682G, S709G, S610G.
Identifiers: ClinVar variation 297707 (VCV000297707.25), dbSNP rs775077080, ClinGen allele CA040221.

ClinVar aggregate classification (germline): Uncertain significance. Review status: criteria provided, multiple submitters, no conflicts (2 of 4 stars). 10 submissions from 9 submitters: Uncertain significance (10). Last evaluated 2026-04-02.

Conditions:
Hypobetalipoproteinemia. Identifiers: Orphanet 31154, MedGen C0020597, MONDO:0017774.
Cardiovascular phenotype. Identifiers: MedGen CN230736.
Familial hypercholesterolemia. Also called: Familial hypercholesterolemias; Familial hypercholesterolaemia. Identifiers: MedGen C0020445, MONDO:0005439.
Hypercholesterolemia, autosomal dominant, 3 (FHCL3). Also called: Familial Hypercholesterolemia, Autosomal Dominant, 3; PCSK9-Related Familial Hypercholesterolemia, Autosomal Dominant; Familial hypercholesterolemia 3. Identifiers: MedGen C1863551, MONDO:0011369, OMIM 603776.

Allele frequency attached by ClinVar (database versions not stated): ExAC 0.00004; gnomAD 0.00004; gnomAD exomes 0.00005; TOPMed 0.00009.
gnomAD v4.1: 40 of 1,613,848 alleles (0.0025%); highest among the groups gnomAD compares: Admixed American, 0.025%; no homozygotes.

Submissions (10):

Women's Health and Genetics/Laboratory Corporation of America, LabCorp
Classification: Uncertain significance. Last evaluated: 2026-04-02. Review status: criteria provided, single submitter. Criteria: LabCorp Variant Classification Summary - May 2015. Collection method: clinical testing. Allele origin: germline.
Comment: Variant summary: PCSK9 c.2002A>G (p.Ser668Gly) results in a non-conservative amino acid change in the encoded protein sequence. Algorithms developed to predict the effect of missense changes on protein structure and function are either unavailable or do not agree on the potential impact of this missense change. The variant allele was found at a frequency of 4.8e-05 in 250532 control chromosomes. The observed variant frequency exceeds the estimated maximal expected allele frequency for disease-causing variants in PCSK9. c.2002A>G has been observed in individual(s) affected with Familial Hypercholesterolemia, without strong evidence for causality (e.g. Meshkov_2021, Sustar_2022, Ferch_2025). These report(s) do not provide unequivocal conclusions about association of the variant with Familial Hypercholesterolemia. To our knowledge, no experimental evidence demonstrating an impact on protein function has been reported. The following publications have been ascertained in the context of this evaluation (PMID: 39535057, 33418990, 35913489). ClinVar contains an entry for this variant (Variation ID: 297707). Based on the evidence outlined above, the variant was classified as uncertain significance.

Ambry Genetics
Classification: Uncertain significance for Cardiovascular phenotype. Last evaluated: 2026-03-02. Review status: criteria provided, single submitter. Criteria: Ambry Variant Classification Scheme 2023. Collection method: clinical testing. Allele origin: germline.

All of Us Research Program, National Institutes of Health
Classification: Uncertain significance for Hypercholesterolemia, autosomal dominant, 3. Last evaluated: 2024-08-13. Review status: criteria provided, single submitter. Criteria: ACMG Guidelines, 2015. Collection method: clinical testing. Allele origin: germline. Inheritance: Autosomal dominant inheritance. Observed: 13 variant alleles, 13 heterozygotes.
Comment: This missense variant replaces serine with glycine at codon 668 of the PCSK9 protein. Computational prediction suggests that this variant may not impact protein structure and function (internally defined REVEL score threshold <= 0.5, PMID: 27666373). To our knowledge, functional studies have not been reported for this variant. This variant has been reported in one individual affected with familial hypercholesterolemia (PMID: 33418990). This variant has been identified in 12/250532 chromosomes in the general population by the Genome Aggregation Database (gnomAD). The available evidence is insufficient to determine the role of this variant in disease conclusively. Therefore, this variant is classified as a Variant of Uncertain Significance.

This study involves interpretation of variants in research participants for the purpose of population health screening. Participant phenotype was not available at the time of variant classification. Additional details can be found in publication PMID: 35346344, PMCID: PMC8962531

Color Diagnostics, LLC DBA Color Health
Classification: Uncertain significance for Familial hypercholesterolemia. Last evaluated: 2024-07-31. Review status: criteria provided, single submitter. Criteria: ACMG Guidelines, 2015. Collection method: clinical testing. Allele origin: germline.
Comment: This missense variant replaces serine with glycine at codon 668 of the PCSK9 protein. Computational prediction suggests that this variant may not impact protein structure and function. To our knowledge, functional studies have not been reported for this variant. This variant has been reported in an individual affected with familial hypercholesterolemia (PMID: 33418990). This variant has been identified in 12/250532 chromosomes in the general population by the Genome Aggregation Database (gnomAD). The available evidence is insufficient to determine the role of this variant in disease conclusively. Therefore, this variant is classified as a Variant of Uncertain Significance.

Labcorp Genetics (formerly Invitae), Labcorp
Classification: Uncertain significance for Hypercholesterolemia, autosomal dominant, 3. Last evaluated: 2024-01-02. Review status: criteria provided, single submitter. Criteria: Invitae Variant Classification Sherloc (09022015). Collection method: clinical testing. Allele origin: germline.
Comment: This sequence change replaces serine, which is neutral and polar, with glycine, which is neutral and non-polar, at codon 668 of the PCSK9 protein (p.Ser668Gly). This variant is present in population databases (rs775077080, gnomAD 0.02%). This missense change has been observed in individual(s) with familial hypercholesterolemia (PMID: 33418990, 35913489). ClinVar contains an entry for this variant (Variation ID: 297707). Advanced modeling of protein sequence and biophysical properties (such as structural, functional, and spatial information, amino acid conservation, physicochemical variation, residue mobility, and thermodynamic stability) performed at Invitae indicates that this missense variant is not expected to disrupt PCSK9 protein function with a negative predictive value of 95%. In summary, the available evidence is currently insufficient to determine the role of this variant in disease. Therefore, it has been classified as a Variant of Uncertain Significance.

Quest Diagnostics Nichols Institute San Juan Capistrano
Classification: Uncertain significance. Last evaluated: 2023-04-11. Review status: criteria provided, single submitter. Criteria: Quest Diagnostics criteria. Collection method: clinical testing. Allele origin: unknown.
Comment: The frequency of this variant in the general population, 0.00023 (8/34564 chromosomes in Latino/Admixed American subpopulation), is higher than would generally be expected for pathogenic variants in this gene. In the published literature, the variant has been reported in an individual with familial hypercholesteremia (PMID: 33418990 (2021)). Analysis of this variant using bioinformatics tools for the prediction of the effect of amino acid changes on protein structure and function yielded predictions that this variant is benign. Based on the available information, we are unable to determine the clinical significance of this variant.

Fulgent Genetics
Classification: Uncertain significance for Hypercholesterolemia, autosomal dominant, 3. Last evaluated: 2021-12-09. Review status: criteria provided, single submitter. Criteria: ACMG Guidelines, 2015. Collection method: clinical testing. Allele origin: unknown.

Illumina Laboratory Services, Illumina
Classification: Uncertain significance for Hypobetalipoproteinemia. Last evaluated: 2018-01-12. Review status: criteria provided, single submitter. Criteria: ICSL Variant Classification Criteria 13 December 2019. Collection method: clinical testing. Allele origin: germline.

Illumina Laboratory Services, Illumina
Classification: Uncertain significance for Hypercholesterolemia, autosomal dominant, 3. Last evaluated: 2018-01-12. Review status: criteria provided, single submitter. Criteria: ICSL Variant Classification Criteria 13 December 2019. Collection method: clinical testing. Allele origin: germline.

Centre de Génétique Moléculaire et Chromosomique, Unité de génétique de l'Obésité et des Dyslipidémies, APHP, GH Hôpitaux Universitaires Pitié-Salpêtrière / Charles-Foix
Classification: Uncertain significance for Hypercholesterolemia, autosomal dominant, 3. Last evaluated: 2016-12-16. Review status: criteria provided, single submitter. Criteria: ACMG Guidelines, 2015. Collection method: clinical testing. Allele origin: germline. Affected: yes.

Literature cited by the submitters: PubMed 33418990 (cited by 5 submitters); PubMed 35913489 (cited by Women's Health and Genetics/Laboratory Corporation of America, LabCorp and Labcorp Genetics (formerly Invitae), Labcorp); PubMed 39535057 (cited by Women's Health and Genetics/Laboratory Corporation of America, LabCorp).